The following is an entry in ClinVar:

ClinVar aggregate classification (germline): Benign (0 of 4 stars; one submission).

Conditions:
NTN1-related disorder. Also called: NTN1-related condition.

Allele frequency attached by ClinVar (database versions not stated): 1000 Genomes Project 0.00319; gnomAD 0.00357; 1000 Genomes Project 30x 0.00390; ExAC 0.00139; ESP Exome Variant Server 0.00398.
gnomAD v4.1: 1,063 of 1,602,444 alleles (0.066%); highest among the groups gnomAD compares: African/African-American, 1.3%; 5 homozygotes.

Submission:

PreventionGenetics, part of Exact Sciences
Classification: Benign for NTN1-related condition. Last evaluated: 2019-06-05. Review status: no assertion criteria provided. Collection method: clinical testing. Allele origin: germline.
Comment: This variant is classified as benign based on ACMG/AMP sequence variant interpretation guidelines (Richards et al. 2015 PMID: 25741868, with internal and published modifications).

NM_004822.3(NTN1):c.342G>T (p.Pro114=)

Gene: NTN1 (netrin 1; plus strand). Cytogenetic location: 17p13.1.
Variant type: single nucleotide variant.
Coding change: c.342G>T on transcript NM_004822.3 (MANE Select); coding-DNA position 342, G replaced by T.
Protein change: p.Pro114=; no amino-acid change (proline 114 retained).
Molecular consequence: synonymous variant.
Genome position (GRCh38, 1-based): chr17:9,022,715, G>T. VCF-style: chr17-9022715-G-T. GRCh37 (hg19) VCF-style: chr17-8926032-G-T.
Identifiers: ClinVar variation 3044622 (VCV003044622.2), dbSNP rs73262152, ClinGen allele CA8380988.